The following is an entry in ClinVar:

NM_014014.5(SNRNP200):c.1704A>C (p.Glu568Asp)

Gene: SNRNP200 (small nuclear ribonucleoprotein U5 subunit 200; minus strand). Cytogenetic location: 2q11.2.
Variant type: single nucleotide variant.
Coding change: c.1704A>C on transcript NM_014014.5 (MANE Select); coding-DNA position 1704, A replaced by C.
Protein change: p.Glu568Asp; replaces glutamic acid 568 with aspartic acid.
Molecular consequence: missense variant.
Genome position (GRCh38, 1-based): chr2:96,295,626, T>G on the plus strand (A>C on the coding strand, the complement: SNRNP200 is on the minus strand). VCF-style: chr2-96295626-T-G. GRCh37 (hg19) VCF-style: chr2-96961364-T-G.
Other names: short protein forms E568D.
Identifiers: ClinVar variation 1297124 (VCV001297124.2), dbSNP rs2104355428, ClinGen allele CA347681115.

ClinVar aggregate classification (germline): Likely pathogenic (1 of 4 stars; one submission).

Conditions:
Retinitis pigmentosa (RP). Identifiers: Orphanet 791, MedGen C0035334, MeSH D012174, MONDO:0019200, OMIM 268000. Inheritance: Autosomal dominant, autosomal recessive and X linked inheritance.

Submission:

Broad Center for Mendelian Genomics, Broad Institute of MIT and Harvard
Classification: Likely pathogenic for Retinitis pigmentosa. Last evaluated: 2021-04-01. Review status: criteria provided, single submitter. Criteria: ACMG Guidelines, 2015. Collection method: curation. Allele origin: germline. Inheritance: Autosomal dominant inheritance. Affected: yes.
Comment: Through a review of available evidence we were able to apply the following criteria: PM2, PP3, PM1, PP2. Based on this evidence we have classified this variant as Likely Pathogenic. If you have any questions about the classification please reach out to the Pierce Lab.

Literature cited by the submitters: PubMed 34906470.